The following is an entry in ClinVar:

NM_001130987.2(DYSF):c.5174+5G>T

Gene: DYSF (dysferlin; plus strand). Cytogenetic location: 2p13.2.
Variant type: single nucleotide variant.
Coding change: c.5174+5G>T on transcript NM_001130987.2 (MANE Select); 5 bases into the intron after coding-DNA position 5174, G replaced by T.
Molecular consequence: intron variant.
Genome position (GRCh38, 1-based): chr2:71,664,443, G>T. VCF-style: chr2-71664443-G-T. GRCh37 (hg19) VCF-style: chr2-71891573-G-T.
Other names: c.5150+5G>T (NM_001130979.2); c.5171+5G>T (NM_001130981.2); c.5108+5G>T (NM_001130980.2); c.5120+5G>T (NM_001130978.2); c.5057+5G>T (NM_003494.4); c.5078+5G>T (NM_001130977.2); c.5015+5G>T (NM_001130976.2); c.5153+5G>T (NM_001130982.2); and 5 more.
Identifiers: ClinVar variation 281012 (VCV000281012.9), dbSNP rs745891180, ClinGen allele CA10603780.

ClinVar aggregate classification (germline): Likely pathogenic. Review status: reviewed by expert panel (3 of 4 stars). 3 submissions from 3 submitters: Likely pathogenic (1). 2 of the submissions do not count toward it. Last evaluated 2025-08-26.

Conditions:
Autosomal recessive limb-girdle muscular dystrophy. Identifiers: Orphanet 102015, MedGen C2931907, MONDO:0015152.
Neuromuscular disease caused by qualitative or quantitative defects of dysferlin. Also called: Qualitative or quantitative defects of dysferlin; Dysferlinopathy. Identifiers: Orphanet 207073, MedGen C2931687, MONDO:0016145.

gnomAD v4.1: 1 of 1,613,954 alleles (0.000062%); no homozygotes.

Submissions (3):

ClinGen Limb Girdle Muscular Dystrophy Variant Curation Expert Panel, ClinGen
Classification: Likely pathogenic for Autosomal recessive limb-girdle muscular dystrophy. Last evaluated: 2025-08-26. Review status: reviewed by expert panel. Criteria: ClinGen LGMD VCEP ACMG Specifications DYSF V1.0.0. Collection method: curation. Allele origin: germline. Inheritance: Autosomal recessive inheritance.
Comment: The NM_003494.4: c.5057+5G>T variant in DYSF, which is also known as NM_001130987.2: c.5174+5G>T, occurs within the splice donor motif of intron 45. RNAseq analysis has demonstrated that this variant disrupts splicing, resulting in a frameshift and premature truncation with nonsense mediated decay expected; however, the possibility for retention of some degree of constitutive splicing was not ruled out (PMID: 36983702; PVS1_Strong_RNA). This variant has been reported in unknown phase with a second presumed diagnostic DYSF variant in at least one individual with a clinical suspicion of LGMD (PMID: 6983702; PP4). The highest population minor allele frequency is 0.00001600 (1/62486 alleles) in the Remaining population in gnomAD v4.1.0, which is less than the LGMD VCEP threshold (≤0.0001) for PM2_Supporting, meeting this criterion (PM2_Supporting). Another nucleotide change affecting the same position of the splice motif and with the same experimentally demonstrated splice effect, NM_003494.4: c.5057+5G>A, is classified as pathogenic for autosomal recessive limb girdle muscular dystrophy by the ClinGen LGMD VCEP (PS1_Moderate). In summary, this variant meets the criteria to be classified as Likely Pathogenic for autosomal recessive limb girdle muscular dystrophy based on the ACMG/AMP criteria applied, as specified by the ClinGen LGMD VCEP (LGMD VCEP specifications version 1.0.0; 08/26/2025): PVS1_Strong_RNA, PP4, PM2_Supporting, PS1_Moderate.

Jain Foundation
Classification: Likely pathogenic for Dysferlinopathy. Last evaluated: 2023-03-13. Review status: criteria provided, single submitter. Criteria: Rufibach et al. (J Pers Med. 2023). Collection method: research. Allele origin: unknown, not applicable. Inheritance: Autosomal recessive inheritance. Affected: yes. Observed: 1 compound heterozygote. Functional consequence: sequence_variant_affecting_splicing. Not counted in ClinVar's aggregate classification.
Comment: This variant is rare with an allele frequency of <0.0004% in gnomad. It has also been reported in an individual with dysferlinopathy and is found in the heterozygous state in conjunction with another likely pathogenic DYSF variant, c.5429+1G>T (PMID: 36983702). RNAseq analysis showed 2 abnormal splice events caused by destroying the canonical splice site and using two different cryptic splice sites within exon 45 that leads to two different deletions of part of exon 45 which result in the following frameshifts, p.Gly1660AlafsX36 and p.Cys1685SerfsX36 (PMID: 36983702). The ACMG classification criteria are: PM2 moderate and PS3 strong. Based on the above data, this variant has been classified as Likely Pathogenic.

Eurofins Ntd Llc (ga)
Classification: Uncertain significance. Last evaluated: 2015-10-16. Review status: criteria provided, single submitter. Criteria: EGL Classification Definitions 2015. Collection method: clinical testing. Allele origin: germline. Observed: 1 variant allele, 1 heterozygote. Not counted in ClinVar's aggregate classification.